The following is an entry in ClinVar:

NM_003922.4(HERC1):c.6362A>G (p.Asn2121Ser)

Gene: HERC1 (HECT and RLD domain containing E3 ubiquitin protein ligase family member 1; minus strand). Cytogenetic location: 15q22.31.
Variant type: single nucleotide variant.
Coding change: c.6362A>G on transcript NM_003922.4 (MANE Select); coding-DNA position 6362, A replaced by G.
Protein change: p.Asn2121Ser; replaces asparagine 2121 with serine.
Molecular consequence: missense variant.
Genome position (GRCh38, 1-based): chr15:63,680,640, T>C on the plus strand (A>G on the coding strand, the complement: HERC1 is on the minus strand). VCF-style: chr15-63680640-T-C. GRCh37 (hg19) VCF-style: chr15-63972839-T-C.
Other names: short protein forms N2121S.
Identifiers: ClinVar variation 3617671 (VCV003617671.2).

ClinVar aggregate classification (germline): Uncertain significance (1 of 4 stars; one submission).

gnomAD v4.1: 7 of 1,613,742 alleles (0.00043%); highest among the groups gnomAD compares: East Asian, 0.0022%; no homozygotes.

Submission:

Labcorp Genetics (formerly Invitae), Labcorp
Classification: Uncertain significance. Last evaluated: 2025-08-20. Review status: criteria provided, single submitter. Criteria: Invitae Variant Classification Sherloc (09022015). Collection method: clinical testing. Allele origin: germline.
Comment: This sequence change replaces asparagine, which is neutral and polar, with serine, which is neutral and polar, at codon 2121 of the HERC1 protein (p.Asn2121Ser). This variant is not present in population databases (gnomAD no frequency). This variant has not been reported in the literature in individuals affected with HERC1-related conditions. ClinVar contains an entry for this variant (Variation ID: 3617671). An algorithm developed to predict the effect of missense changes on protein structure and function (PolyPhen-2) suggests that this variant is likely to be tolerated. In summary, the available evidence is currently insufficient to determine the role of this variant in disease. Therefore, it has been classified as a Variant of Uncertain Significance.